The following is an entry in ClinVar:

ClinVar aggregate classification (germline): Uncertain significance (1 of 4 stars; one submission).

Conditions:
Hereditary cancer-predisposing syndrome. Also called: Tumor predisposition; Hereditary neoplastic syndrome; Neoplastic Syndromes, Hereditary; Hereditary Cancer Syndrome. Identifiers: Orphanet 140162, MedGen C0027672, MeSH D009386, MONDO:0015356.

Submission:

Ambry Genetics
Classification: Uncertain significance for Hereditary cancer-predisposing syndrome. Last evaluated: 2025-05-25. Review status: criteria provided, single submitter. Criteria: Ambry Variant Classification Scheme 2023. Collection method: clinical testing. Allele origin: germline.
Comment: The p.V508I variant (also known as c.1522G>A), located in coding exon 13 of the FANCC gene, results from a G to A substitution at nucleotide position 1522. The valine at codon 508 is replaced by isoleucine, an amino acid with highly similar properties. This amino acid position is conserved. In addition, this alteration is predicted to be tolerated by in silico analysis. Based on the available evidence, the clinical significance of this variant remains unclear.

NM_000136.3(FANCC):c.1522G>A (p.Val508Ile)

Genes: AOPEP (aminopeptidase O (putative); plus strand), FANCC (FA complementation group C; minus strand). Cytogenetic location: 9q22.32.
Variant type: single nucleotide variant.
Coding change: c.1522G>A on transcript NM_000136.3 (MANE Select); coding-DNA position 1522, G replaced by A.
Protein change: p.Val508Ile; replaces valine 508 with isoleucine.
Molecular consequence: missense variant.
Genome position (GRCh38, 1-based): chr9:95,107,077, C>T on the plus strand (G>A on the coding strand, the complement: FANCC is on the minus strand). VCF-style: chr9-95107077-C-T. GRCh37 (hg19) VCF-style: chr9-97869359-C-T.
Other names: c.1522G>A, p.Val508Ile (NM_001243743.2); short protein forms V508I.
Identifiers: ClinVar variation 4022426 (VCV004022426.1).
Genomic context (GRCh38, chr9:95,107,077, plus strand): 5'-GCCTGGAGCAGAAATGAGTACTAGGATGCTGGACCACAGGGAGACTTACCAGGGTGATGA[C>T]ATCCCAGGCGATCGTGTGGCCTCCAGGAGCCCAGAGCAGGAAGTTGAGGAGAAGGTGCCT-3'
Protein context (NP_000127.2, residues 498-518): APGGHTIAWD[Val508Ile]ITLMAHTAEI